The following is an entry in ClinVar:

NM_001040142.2(SCN2A):c.3217G>T (p.Gly1073Ter)

Gene: SCN2A (sodium voltage-gated channel alpha subunit 2; plus strand). Cytogenetic location: 2q24.3.
Variant type: single nucleotide variant.
Coding change: c.3217G>T on transcript NM_001040142.2 (MANE Select); coding-DNA position 3217, G replaced by T.
Protein change: p.Gly1073Ter; replaces glycine 1073 with a stop codon.
Molecular consequence: nonsense.
Genome position (GRCh38, 1-based): chr2:165,354,489, G>T. VCF-style: chr2-165354489-G-T. GRCh37 (hg19) VCF-style: chr2-166210999-G-T.
Other names: c.3217G>T, p.Gly1073Ter (NM_001040143.2, NM_001371246.1, NM_001371247.1 and 1 more transcripts); short protein forms G1073*.
Identifiers: ClinVar variation 620347 (VCV000620347.3), dbSNP rs1553584053, ClinGen allele CA349021334.
Genomic context (GRCh38, chr2:165,354,489, plus strand): 5'-ATTTCCAACCATACCACCATAGAAATAGGCAAAGACCTCAATTATCTCAAAGACGGAAAT[G>T]GAACTACTAGTGGCATAGGCAGCAGTGTAGAAAAATATGTCGTGGATGAAAGTGATTACA-3'

ClinVar aggregate classification (germline): Likely pathogenic (1 of 4 stars; one submission).

Conditions:
Complex neurodevelopmental disorder. Identifiers: Orphanet 528084, MedGen C5568766, MONDO:0100038.

Submission:

GeneDx
Classification: Likely pathogenic. Last evaluated: 2018-08-27. Review status: criteria provided, single submitter. Criteria: GeneDx Variant Classification (06012015). Collection method: clinical testing. Allele origin: germline. Affected: yes.
Comment: A variant that is likely pathogenic has been identified in the SCN2A gene. The G1073X variant has not been published as a pathogenic variant, nor has it been reported as a benign variant to our knowledge. This variant is not observed in large population cohorts (Lek et al., 2016). The G1073X variant is predicted to cause loss of normal protein function either through protein truncation or nonsense-mediated mRNA decay. Therefore, this variant is likely pathogenic.